The following is an entry in ClinVar:

NM_005902.4(SMAD3):c.206+4G>A

Gene: SMAD3 (SMAD family member 3; plus strand). Cytogenetic location: 15q22.33.
Variant type: single nucleotide variant.
Coding change: c.206+4G>A on transcript NM_005902.4 (MANE Select); 4 bases into the intron after coding-DNA position 206, G replaced by A.
Molecular consequence: intron variant.
Genome position (GRCh38, 1-based): chr15:67,066,364, G>A. VCF-style: chr15-67066364-G-A. GRCh37 (hg19) VCF-style: chr15-67358702-G-A.
Identifiers: ClinVar variation 1785214 (VCV001785214.2), dbSNP rs1959916973, ClinGen allele CA2580089885.
Genomic context (GRCh38, chr15:67,066,364, plus strand): 5'-GCTGGAGAAGGCCATCACCACGCAGAACGTCAACACCAAGTGCATCACCATCCCCAGGTG[G>A]GGGCCCGCCCGGGGGGGACCCGGGGTCACGCCGGCCCAGCCCCCTGGCACTGCGGGGCCG-3'

ClinVar aggregate classification (germline): Uncertain significance (1 of 4 stars; one submission).

Conditions:
Familial thoracic aortic aneurysm and aortic dissection (TAAD). Also called: Thoracic aortic aneurysms and dissections. Identifiers: Orphanet 91387, MedGen C4707243, MONDO:0019625.

Submission:

Ambry Genetics
Classification: Uncertain significance for Familial thoracic aortic aneurysm and aortic dissection. Last evaluated: 2020-07-23. Review status: criteria provided, single submitter. Criteria: Ambry Variant Classification Scheme 2023. Collection method: clinical testing. Allele origin: germline.
Comment: The c.206+4G>A intronic variant results from a G to A substitution 4 nucleotides after coding exon 1 in the SMAD3 gene. This nucleotide position is well conserved in available vertebrate species. In silico splice site analysis predicts that this alteration will not have any significant effect on splicing. Since supporting evidence is limited at this time, the clinical significance of this alteration remains unclear.